The following is an entry in ClinVar:

ClinVar aggregate classification (germline): Uncertain significance. Review status: criteria provided, single submitter (1 of 4 stars). 2 submissions from 2 submitters: Uncertain significance (1). 1 of the submissions does not count toward it. Last evaluated 2021-04-11.

Conditions:
Glycogen storage disease due to muscle and heart glycogen synthase deficiency. Also called: GSD 0b; MUSCLE GLYCOGEN SYNTHASE DEFICIENCY. Identifiers: Orphanet 137625, MedGen C1969054, MONDO:0012693, OMIM 611556.
GYS1-related disorder. Also called: GYS1-related condition.

Allele frequency attached by ClinVar (database versions not stated): gnomAD exomes below 0.00001 and 0.00002; TOPMed below 0.00001; gnomAD 0.00001 and 0.00003; ExAC 0.00003; 1000 Genomes Project 30x 0.00016; 1000 Genomes Project 0.00020.
gnomAD v4.1: 10 of 1,613,646 alleles (0.00062%); highest among the groups gnomAD compares: East Asian, 0.02%; no homozygotes.

Submissions (2):

Labcorp Genetics (formerly Invitae), Labcorp
Classification: Uncertain significance for Glycogen storage disease due to muscle and heart glycogen synthase deficiency. Last evaluated: 2021-04-11. Review status: criteria provided, single submitter. Criteria: Invitae Variant Classification Sherloc (09022015). Collection method: clinical testing. Allele origin: germline.
Comment: This sequence change falls in intron 2 of the GYS1 gene. It does not directly change the encoded amino acid sequence of the GYS1 protein, but it affects a nucleotide within the consensus splice site of the intron. This variant is present in population databases (rs199823455, ExAC 0.03%). This variant has not been reported in the literature in individuals with GYS1-related conditions. Nucleotide substitutions within the consensus splice site are a relatively common cause of aberrant splicing (PMID: 17576681, 9536098). Algorithms developed to predict the effect of sequence changes on RNA splicing suggest that this variant is not likely to affect RNA splicing, but this prediction has not been confirmed by published transcriptional studies. In summary, the available evidence is currently insufficient to determine the role of this variant in disease. Therefore, it has been classified as a Variant of Uncertain Significance.

PreventionGenetics, part of Exact Sciences
Classification: Likely benign for GYS1-related condition. Last evaluated: 2019-03-27. Review status: no assertion criteria provided. Collection method: clinical testing. Allele origin: germline. Not counted in ClinVar's aggregate classification.
Comment: This variant is classified as likely benign based on ACMG/AMP sequence variant interpretation guidelines (Richards et al. 2015 PMID: 25741868, with internal and published modifications).

Literature cited by the submitters: PubMed 17576681 (cited by Labcorp Genetics (formerly Invitae), Labcorp); PubMed 9536098 (cited by Labcorp Genetics (formerly Invitae), Labcorp).

NM_002103.5(GYS1):c.300+3G>A

Gene: GYS1 (glycogen synthase 1; minus strand). Cytogenetic location: 19q13.33.
Variant type: single nucleotide variant.
Coding change: c.300+3G>A on transcript NM_002103.5 (MANE Select); 3 bases into the intron after coding-DNA position 300, G replaced by A.
Molecular consequence: intron variant.
Genome position (GRCh38, 1-based): chr19:48,991,299, C>T on the plus strand (G>A on the coding strand, the complement: GYS1 is on the minus strand). VCF-style: chr19-48991299-C-T. GRCh37 (hg19) VCF-style: chr19-49494556-C-T.
Other names: c.300+3G>A (NM_001161587.2).
Identifiers: ClinVar variation 949878 (VCV000949878.7), dbSNP rs199823455, ClinGen allele CA9563401.